The following is an entry in ClinVar:

NM_001042492.3(NF1):c.5837T>G (p.Leu1946Trp)

Gene: NF1 (neurofibromin 1; plus strand). Cytogenetic location: 17q11.2.
Variant type: single nucleotide variant.
Coding change: c.5837T>G on transcript NM_001042492.3 (MANE Select); coding-DNA position 5837, T replaced by G.
Protein change: p.Leu1946Trp; replaces leucine 1946 with tryptophan.
Molecular consequence: missense variant.
Genome position (GRCh38, 1-based): chr17:31,334,862, T>G. VCF-style: chr17-31334862-T-G. GRCh37 (hg19) VCF-style: chr17-29661880-T-G.
Other names: c.5774T>G, p.Leu1925Trp (NM_000267.4); short protein forms L1946W, L1925W.
Identifiers: ClinVar variation 825960 (VCV000825960.5), dbSNP rs1597840024, ClinGen allele CA399010606.
Genomic context (GRCh38, chr17:31,334,862, plus strand): 5'-TTGACCATCACATGCTAATAGTGTATTTTTTTCCAGGTATTGAATTGAAACACCTTTGTT[T>G]GGAATACATGACTCCATGGCTGTCAAATCTAGTTCGTTTTTGCAAGCATAATGATGATGC-3'
Protein context (NP_001035957.1, residues 1936-1956): KSSIELKHLC[Leu1946Trp]EYMTPWLSNL

ClinVar aggregate classification (germline): Uncertain significance (1 of 4 stars; one submission).

Conditions:
Hereditary cancer-predisposing syndrome. Also called: Neoplastic Syndromes, Hereditary; Tumor predisposition; Hereditary neoplastic syndrome; Hereditary Cancer Syndrome. Identifiers: Orphanet 140162, MedGen C0027672, MeSH D009386, MONDO:0015356.
Cardiovascular phenotype. Identifiers: MedGen CN230736.

Submission:

Ambry Genetics
Classification: Uncertain significance for Cardiovascular phenotype; Hereditary cancer-predisposing syndrome. Last evaluated: 2024-09-16. Review status: criteria provided, single submitter. Criteria: Ambry Variant Classification Scheme 2023. Collection method: clinical testing. Allele origin: germline.
Comment: The p.L1925W variant (also known as c.5774T>G), located in coding exon 39 of the NF1 gene, results from a T to G substitution at nucleotide position 5774. The leucine at codon 1925 is replaced by tryptophan, an amino acid with similar properties. This amino acid position is highly conserved in available vertebrate species. In addition, this alteration is predicted to be deleterious by in silico analysis. Based on the available evidence, the clinical significance of this variant remains unclear.